The following is an entry in ClinVar:

ClinVar aggregate classification (germline): Uncertain significance (1 of 4 stars; one submission).

Allele frequency attached by ClinVar (database versions not stated): gnomAD exomes 0.00001; gnomAD 0.00003; TOPMed 0.00003; ExAC 0.00004.
gnomAD v4.1: 11 of 1,614,010 alleles (0.00068%); highest among the groups gnomAD compares: East Asian, 0.011%; no homozygotes.

Submission:

Labcorp Genetics (formerly Invitae), Labcorp
Classification: Uncertain significance. Last evaluated: 2022-11-15. Review status: criteria provided, single submitter. Criteria: Invitae Variant Classification Sherloc (09022015). Collection method: clinical testing. Allele origin: germline.
Comment: This sequence change replaces arginine, which is basic and polar, with glutamine, which is neutral and polar, at codon 550 of the TET2 protein (p.Arg550Gln). In summary, the available evidence is currently insufficient to determine the role of this variant in disease. Therefore, it has been classified as a Variant of Uncertain Significance. Algorithms developed to predict the effect of missense changes on protein structure and function output the following: SIFT: "Tolerated"; PolyPhen-2: "Benign"; Align-GVGD: "Class C0". The glutamine amino acid residue is found in multiple mammalian species, which suggests that this missense change does not adversely affect protein function. This variant has not been reported in the literature in individuals affected with TET2-related conditions. This variant is present in population databases (rs769376786, gnomAD 0.04%).

NM_001127208.3(TET2):c.1649G>A (p.Arg550Gln)

Genes: TET2 (tet methylcytosine dioxygenase 2; plus strand), TET2-AS1 (TET2 antisense RNA 1; minus strand). Cytogenetic location: 4q24.
Variant type: single nucleotide variant.
Coding change: c.1649G>A on transcript NM_001127208.3 (MANE Select); coding-DNA position 1649, G replaced by A.
Protein change: p.Arg550Gln; replaces arginine 550 with glutamine.
Molecular consequence: missense variant.
Genome position (GRCh38, 1-based): chr4:105,235,591, G>A. VCF-style: chr4-105235591-G-A. GRCh37 (hg19) VCF-style: chr4-106156748-G-A.
Other names: c.1649G>A, p.Arg550Gln (NM_017628.4); short protein forms R550Q.
Identifiers: ClinVar variation 1948983 (VCV001948983.5), dbSNP rs769376786, ClinGen allele CA3031729.